The following is an entry in ClinVar:

ClinVar aggregate classification (germline): Likely pathogenic (1 of 4 stars; one submission).

Submission:

GeneDx
Classification: Likely pathogenic. Last evaluated: 2025-07-29. Review status: criteria provided, single submitter. Criteria: GeneDx Variant Classification Process June 2021. Collection method: clinical testing. Allele origin: germline. Affected: yes.
Comment: Reported as a de novo variant in a patient with a developmental disorder in published literature; however, no further phenotypic information was provided (PMID: 35982159); Nonsense variant predicted to result in protein truncation, as the last 1032 amino acid(s) are lost, and other loss-of-function variants have been reported downstream in HGMD; Not observed at significant frequency in large population cohorts (gnomAD); This variant is associated with the following publications: (PMID: 35982159, 33057194)

NM_022841.7(RFX7):c.1287C>A (p.Tyr429Ter)

Gene: RFX7 (regulatory factor X7; minus strand). Cytogenetic location: 15q21.3.
Variant type: single nucleotide variant.
Coding change: c.1287C>A on transcript NM_022841.7 (MANE Select); coding-DNA position 1287, C replaced by A.
Protein change: p.Tyr429Ter; replaces tyrosine 429 with a stop codon.
Molecular consequence: nonsense.
Genome position (GRCh38, 1-based): chr15:56,096,441, G>T on the plus strand (C>A on the coding strand, the complement: RFX7 is on the minus strand). VCF-style: chr15-56096441-G-T. GRCh37 (hg19) VCF-style: chr15-56388639-G-T.
Other names: c.996C>A, p.Tyr332Ter (NM_001368073.2, NM_001368074.1, NM_001370554.1); c.1287C>A, p.Tyr429Ter (NM_001370561.1); short protein forms Y332*, Y429*.
Identifiers: ClinVar variation 4689840 (VCV004689840.1).